The following is an entry in ClinVar:

ClinVar aggregate classification (germline): Likely benign (1 of 4 stars; one submission).

Allele frequency attached by ClinVar (database versions not stated): gnomAD exomes 0.00001; TOPMed 0.00001 and below 0.00001.
gnomAD v4.1: 6 of 1,379,426 alleles (0.00043%); highest among the groups gnomAD compares: Non-Finnish European, 0.00062%; no homozygotes.

Submission:

GeneDx
Classification: Likely benign. Last evaluated: 2017-12-05. Review status: criteria provided, single submitter. Criteria: GeneDx Variant Classification (06012015). Collection method: clinical testing. Allele origin: germline. Affected: yes.
Comment: This variant is considered likely benign or benign based on one or more of the following criteria: it is a conservative change, it occurs at a poorly conserved position in the protein, it is predicted to be benign by multiple in silico algorithms, and/or has population frequency not consistent with disease.

NM_001351169.2(NT5C2):c.-24-17A>G

Gene: NT5C2 (5'-nucleotidase, cytosolic II; minus strand). Cytogenetic location: 10q24.33.
Variant type: single nucleotide variant.
Coding change: c.-24-17A>G on transcript NM_001351169.2 (MANE Select); 17 bases into the intron before 24 bases upstream of the start codon, A replaced by G.
Molecular consequence: intron variant.
Genome position (GRCh38, 1-based): chr10:103,174,999, T>C on the plus strand (A>G on the coding strand, the complement: NT5C2 is on the minus strand). VCF-style: chr10-103174999-T-C. GRCh37 (hg19) VCF-style: chr10-104934756-T-C.
Other names: c.-431-17A>G (NM_001351181.2); c.-523-17A>G (NM_001351183.2); c.-705-17A>G (NM_001351194.2); c.-715-17A>G (NM_001351180.2); c.-584-17A>G (NM_001351176.2); c.-776-17A>G (NM_001351188.2); c.-24-17A>G (NM_001134373.3, NM_001351170.2, NM_012229.5 and 3 more transcripts); c.-789-17A>G (NM_001351184.2, NM_001351189.2); and 9 more.
Identifiers: ClinVar variation 513872 (VCV000513872.1), dbSNP rs1269942512, ClinGen allele CA595762027.